The following is an entry in ClinVar:

NM_007129.5(ZIC2):c.1505_1516dup (p.Ala502_Gly505dup)

Gene: ZIC2 (Zic family zinc finger 2; plus strand). Cytogenetic location: 13q32.3.
Variant type: Duplication.
Coding change: c.1505_1516dup on transcript NM_007129.5 (MANE Select); coding-DNA positions 1505 to 1516, 12 bases duplicated (CGGGCGGCGGGG).
Protein change: p.Ala502_Gly505dup.
Molecular consequence: inframe insertion.
Genome position (GRCh38, 1-based): chr13:99,985,588-99,985,599, CGGGCGGCGGGG duplicated; duplicating any 12 consecutive bases within chr13:99,985,578-99,985,599 gives the same sequence; the c. name uses the placement nearest the transcript's 3' end. VCF-style (leftmost placement, unchanged base first): chr13-99985577-C-CGGCGGCGGGGCG. GRCh37 (hg19) VCF-style: chr13-100637831-C-CGGCGGCGGGGCG.
Identifiers: ClinVar variation 1491505 (VCV001491505.6), dbSNP rs777893609, ClinGen allele CA612358362.

ClinVar aggregate classification (germline): Uncertain significance (1 of 4 stars; one submission).

Conditions:
Holoprosencephaly 5 (HPE5). Identifiers: Orphanet 2162, MedGen C1864827, MONDO:0012322, OMIM 609637.

Submission:

Labcorp Genetics (formerly Invitae), Labcorp
Classification: Uncertain significance for Holoprosencephaly 5. Last evaluated: 2022-08-16. Review status: criteria provided, single submitter. Criteria: Invitae Variant Classification Sherloc (09022015). Collection method: clinical testing. Allele origin: germline.
Comment: This variant has not been reported in the literature in individuals affected with ZIC2-related conditions. In summary, the available evidence is currently insufficient to determine the role of this variant in disease. Therefore, it has been classified as a Variant of Uncertain Significance. Experimental studies and prediction algorithms are not available or were not evaluated, and the functional significance of this variant is currently unknown. ClinVar contains an entry for this variant (Variation ID: 1491505). The frequency data for this variant in the population databases is considered unreliable, as metrics indicate poor data quality at this position in the gnomAD database. This variant, c.1505_1516dup, results in the insertion of 4 amino acid(s) of the ZIC2 protein (p.Ala502_Gly505dup), but otherwise preserves the integrity of the reading frame.